The following is an entry in ClinVar:

NM_004787.4(SLIT2):c.57C>A (p.Ile19=)

Gene: SLIT2 (slit guidance ligand 2; plus strand). Cytogenetic location: 4p15.31.
Variant type: single nucleotide variant.
Coding change: c.57C>A on transcript NM_004787.4 (MANE Select); coding-DNA position 57, C replaced by A.
Protein change: p.Ile19=; no amino-acid change (isoleucine 19 retained).
Molecular consequence: synonymous variant.
Genome position (GRCh38, 1-based): chr4:20,253,872, C>A. VCF-style: chr4-20253872-C-A. GRCh37 (hg19) VCF-style: chr4-20255495-C-A.
Other names: c.57C>A, p.Ile19= (NM_001289135.3, NM_001289136.3).
Identifiers: ClinVar variation 3031972 (VCV003031972.2), dbSNP rs769098401, ClinGen allele CA2870936.

ClinVar aggregate classification (germline): Likely benign (0 of 4 stars; one submission).

Conditions:
SLIT2-related disorder. Also called: SLIT2-related condition.

Allele frequency attached by ClinVar (database versions not stated): ExAC 0.00002; gnomAD exomes 0.00002; TOPMed 0.00005.
gnomAD v4.1: 31 of 1,600,936 alleles (0.0019%); highest among the groups gnomAD compares: Non-Finnish European, 0.0022%; no homozygotes.

Submission:

PreventionGenetics, part of Exact Sciences
Classification: Likely benign for SLIT2-related condition. Last evaluated: 2021-12-08. Review status: no assertion criteria provided. Collection method: clinical testing. Allele origin: germline.
Comment: This variant is classified as likely benign based on ACMG/AMP sequence variant interpretation guidelines (Richards et al. 2015 PMID: 25741868, with internal and published modifications).